The following is an entry in ClinVar:

ClinVar aggregate classification (germline): Uncertain significance. Review status: criteria provided, single submitter (1 of 4 stars). 2 submissions from 2 submitters: Uncertain significance (1). 1 of the submissions does not count toward it. Last evaluated 2022-03-19.

Conditions:
Cohen syndrome (COH1). Also called: PEPPER SYNDROME; Cutis verticis gyrata, retinitis pigmentosa, and sensorineural deafness. Identifiers: Orphanet 193, MedGen C0265223, MONDO:0008999, OMIM 216550.
VPS13B-related disorder. Also called: VPS13B-related condition.

Allele frequency attached by ClinVar (database versions not stated): gnomAD 0.00001.
gnomAD v4.1: 1 of 1,613,914 alleles (0.000062%); highest among the groups gnomAD compares: African/African-American, 0.0013%; no homozygotes.

Submissions (2):

Labcorp Genetics (formerly Invitae), Labcorp
Classification: Uncertain significance for Cohen syndrome. Last evaluated: 2022-03-19. Review status: criteria provided, single submitter. Criteria: Invitae Variant Classification Sherloc (09022015). Collection method: clinical testing. Allele origin: germline.
Comment: This sequence change replaces serine with alanine at codon 1909 of the VPS13B protein (p.Ser1909Ala). The serine residue is moderately conserved and there is a moderate physicochemical difference between serine and alanine. This variant is not present in population databases (gnomAD no frequency). This variant has not been reported in the literature in individuals affected with VPS13B-related conditions. Algorithms developed to predict the effect of missense changes on protein structure and function output the following: SIFT: "Not Available"; PolyPhen-2: "Benign"; Align-GVGD: "Not Available". The alanine amino acid residue is found in multiple mammalian species, which suggests that this missense change does not adversely affect protein function. In summary, the available evidence is currently insufficient to determine the role of this variant in disease. Therefore, it has been classified as a Variant of Uncertain Significance.

PreventionGenetics, part of Exact Sciences
Classification: Uncertain significance for VPS13B-related condition. Last evaluated: 2024-03-18. Review status: no assertion criteria provided. Collection method: clinical testing. Allele origin: germline. Not counted in ClinVar's aggregate classification.
Comment: The VPS13B c.5650T>G variant is predicted to result in the amino acid substitution p.Ser1884Ala. To our knowledge, this variant has not been reported in the literature or in a large population database, indicating this variant is rare. At this time, the clinical significance of this variant is uncertain due to the absence of conclusive functional and genetic evidence.

NM_152564.5(VPS13B):c.5650T>G (p.Ser1884Ala)

Gene: VPS13B (vacuolar protein sorting 13 homolog B; plus strand). Cytogenetic location: 8q22.2.
Variant type: single nucleotide variant.
Coding change: c.5650T>G on transcript NM_152564.5 (MANE Select); coding-DNA position 5650, T replaced by G.
Protein change: p.Ser1884Ala; replaces serine 1884 with alanine.
Molecular consequence: missense variant.
Genome position (GRCh38, 1-based): chr8:99,642,240, T>G. VCF-style: chr8-99642240-T-G. GRCh37 (hg19) VCF-style: chr8-100654468-T-G.
Other names: c.5725T>G, p.Ser1909Ala (NM_017890.5); c.5650T>G (NM_152564.4); short protein forms S1884A, S1909A.
Identifiers: ClinVar variation 1475248 (VCV001475248.6), dbSNP rs1829399025, ClinGen allele CA371873023.